The following is an entry in ClinVar:

NM_004187.5(KDM5C):c.4540A>G (p.Thr1514Ala)

Gene: KDM5C (lysine demethylase 5C; minus strand). Cytogenetic location: Xp11.22.
Variant type: single nucleotide variant.
Coding change: c.4540A>G on transcript NM_004187.5 (MANE Select); coding-DNA position 4540, A replaced by G.
Protein change: p.Thr1514Ala; replaces threonine 1514 with alanine.
Molecular consequence: missense variant. On other transcripts: intron variant (5).
Genome position (GRCh38, 1-based): chrX:53,193,110, T>C on the plus strand (A>G on the coding strand, the complement: KDM5C is on the minus strand). VCF-style: chrX-53193110-T-C. GRCh37 (hg19) VCF-style: chrX-53222292-T-C.
Other names: c.4537A>G, p.Thr1513Ala (NM_001282622.3); c.4531A>G, p.Thr1511Ala (NM_001353978.3); c.4305+327A>G (NM_001353982.2); c.4314+327A>G (NM_001353979.2); c.4308+327A>G (NM_001353981.2, NM_001353984.2); c.4047-273A>G (NM_001146702.2); short protein forms T1511A, T1514A, T1513A.
Identifiers: ClinVar variation 4780873 (VCV004780873.1).

ClinVar aggregate classification (germline): Uncertain significance (1 of 4 stars; one submission).

Conditions:
Spastic paraplegia. Identifiers: MedGen C0037772, HP:0001258.

Submission:

Labcorp Genetics (formerly Invitae), Labcorp
Classification: Uncertain significance for Spastic paraplegia. Last evaluated: 2025-06-11. Review status: criteria provided, single submitter. Criteria: Invitae Variant Classification Sherloc (09022015). Collection method: clinical testing. Allele origin: germline.
Comment: This sequence change replaces threonine, which is neutral and polar, with alanine, which is neutral and non-polar, at codon 1514 of the KDM5C protein (p.Thr1514Ala). This variant is not present in population databases (gnomAD no frequency). This variant has not been reported in the literature in individuals affected with KDM5C-related conditions. Invitae Evidence Modeling of protein sequence and biophysical properties (such as structural, functional, and spatial information, amino acid conservation, physicochemical variation, residue mobility, and thermodynamic stability) indicates that this missense variant is not expected to disrupt KDM5C protein function with a negative predictive value of 95%. In summary, the available evidence is currently insufficient to determine the role of this variant in disease. Therefore, it has been classified as a Variant of Uncertain Significance.